The following is an entry in ClinVar:

ClinVar aggregate classification (germline): Conflicting classifications of pathogenicity. Review status: criteria provided, conflicting classifications (1 of 4 stars). 8 submissions from 8 submitters: Pathogenic (1); Uncertain significance (5). 2 of the submissions do not count toward it. Last evaluated 2026-10-20.

Conditions:
Familial thoracic aortic aneurysm and aortic dissection (TAAD). Also called: Thoracic aortic aneurysms and dissections. Identifiers: Orphanet 91387, MedGen C4707243, MONDO:0019625.
Marfan syndrome (MFS). Also called: FBN1-Related Marfan Syndrome; Marfan syndrome type 1; Marfan syndrome, classic; Marfan's syndrome; MARFAN SYNDROME, TYPE I. Identifiers: Orphanet 284963, Orphanet 558, MedGen C0024796, MONDO:0007947, OMIM 154700.
FBN1-related disorder. Also called: FBN1-related disorders.

Allele frequency attached by ClinVar (database versions not stated): gnomAD exomes below 0.00001.
gnomAD v4.1: 5 of 1,613,950 alleles (0.00031%); highest among the groups gnomAD compares: Non-Finnish European, 0.00034%; no homozygotes.

Submissions (8):

GeneDx
Classification: Uncertain significance. Last evaluated: 2026-10-20. Review status: criteria provided, single submitter. Criteria: GeneDx Variant Classification Process June 2021. Collection method: clinical testing. Allele origin: germline.
Comment: Identified in a pediatric patient with aortic root dilation but negative revised Ghent criteria (PMID: 37558401); Does not affect a cysteine or calcium-binding residue within an EGF-like domain or a TGF-binding protein domain of the FBN1 gene; cysteine substitutions in the EGF-like domains represent the majority of pathogenic missense changes associated with FBN1-related disorders (PMID: 12938084); Not observed at significant frequency in large population cohorts (gnomAD); In silico analysis suggests that this missense variant does not alter protein structure/function; This variant is associated with the following publications: (PMID: 12938084, 37558401)

Blueprint Genetics
Classification: Pathogenic for FBN1-related disorders. Last evaluated: 2024-11-11. Review status: criteria provided, single submitter. Criteria: ACMG Guidelines, 2015. Collection method: clinical testing. Allele origin: germline. Affected: yes. Observed: 5 variant alleles.

Labcorp Genetics (formerly Invitae), Labcorp
Classification: Uncertain significance for Marfan syndrome; Familial thoracic aortic aneurysm and aortic dissection. Last evaluated: 2024-09-04. Review status: criteria provided, single submitter. Criteria: Invitae Variant Classification Sherloc (09022015). Collection method: clinical testing. Allele origin: germline.
Comment: This sequence change replaces arginine, which is basic and polar, with glutamine, which is neutral and polar, at codon 1790 of the FBN1 protein (p.Arg1790Gln). This variant is not present in population databases (gnomAD no frequency). This variant has not been reported in the literature in individuals affected with FBN1-related conditions. ClinVar contains an entry for this variant (Variation ID: 549272). Invitae Evidence Modeling of protein sequence and biophysical properties (such as structural, functional, and spatial information, amino acid conservation, physicochemical variation, residue mobility, and thermodynamic stability) has been performed for this missense variant. However, the output from this modeling did not meet the statistical confidence thresholds required to predict the impact of this variant on FBN1 protein function. In summary, the available evidence is currently insufficient to determine the role of this variant in disease. Therefore, it has been classified as a Variant of Uncertain Significance.

All of Us Research Program, National Institutes of Health
Classification: Uncertain significance for Marfan syndrome. Last evaluated: 2023-10-23. Review status: criteria provided, single submitter. Criteria: ACMG Guidelines, 2015. Collection method: clinical testing. Allele origin: germline. Inheritance: Autosomal dominant inheritance. Observed: 1 variant allele, 1 heterozygote.
Comment: Variant of Uncertain Significance due to insufficient evidence: This missense variant is located in the calcium-binding EGF-like motif 29 domain of the FBN1 protein. Computational prediction tools and conservation analyses are inconclusive regarding the impact of this variant on the protein function. Computational splicing tools suggest that this variant may not impact the RNA splicing. To our knowledge, functional assays have not been performed for this variant nor has this variant been reported in individuals affected with cardiovascular disorders in the literature. This variant is rare in the general population and has been identified in 0/277264 chromosomes by the Genome Aggregation Database (gnomAD). Available evidence is insufficient to determine the pathogenicity of this variant conclusively.

This study involves interpretation of variants in research participants for the purpose of population health screening. Participant phenotype was not available at the time of variant classification. Additional details can be found in publication PMID: 35346344, PMCID: PMC8962531

Color Diagnostics, LLC DBA Color Health
Classification: Uncertain significance for Familial thoracic aortic aneurysm and aortic dissection. Last evaluated: 2023-10-04. Review status: criteria provided, single submitter. Criteria: ACMG Guidelines, 2015. Collection method: clinical testing. Allele origin: germline.
Comment: This missense variant replaces arginine with glutamine at codon 1790 of the FBN1 protein. Computational prediction is inconclusive regarding the impact of this variant on protein structure and function (internally defined REVEL score threshold 0.5 < inconclusive < 0.7, PMID: 27666373). To our knowledge, functional studies have not been reported for this variant. This variant has not been reported in individuals affected with FBN1-related disorders in the literature. This variant has not been identified in the general population by the Genome Aggregation Database (gnomAD). The available evidence is insufficient to determine the role of this variant in disease conclusively. Therefore, this variant is classified as a Variant of Uncertain Significance.

PreventionGenetics, part of Exact Sciences
Classification: Uncertain significance for FBN1-related condition. Last evaluated: 2023-08-17. Review status: criteria provided, single submitter. Criteria: ACMG Guidelines, 2015. Collection method: clinical testing. Allele origin: germline.
Comment: The FBN1 c.5369G>A variant is predicted to result in the amino acid substitution p.Arg1790Gln. This variant was reported in an individual from a Marfan syndrome cohort (Table S1, Muiño-Mosquera et al. 2018. PubMed ID: 29875124). This variant has not been reported in a large population database, indicating this variant is rare. This variant has conflicting interpretations of pathogenicity in ClinVar ranging from pathogenic to uncertain. A different nucleotide substitution affecting the same amino acid (p.Arg1790Pro) has been reported in an individual with Marfan syndrome (Loeys et al. 2001. PubMed ID: 11700157). Although we suspect that the c.5369G>A (p.Arg1790Gln) variant may be pathogenic, at this time, the clinical significance of this variant is uncertain due to the absence of conclusive functional and genetic evidence.

Department of Laboratory Medicine and Genetics, Samsung Medical Center
Classification: Uncertain significance for Marfan syndrome. Last evaluated: 2025-01-02. Review status: no assertion criteria provided. Collection method: clinical testing. Allele origin: germline. Not counted in ClinVar's aggregate classification.
Comment: The NM_000138.5:c.5369G>A is considered to be rare in the general population database (gnomAD v2.1.1). In summary, the available evidence is currently insufficient to evaluate the pathogenicity of this variant, resulting its classification as a variant of uncertain significance (PP2, PM2_P).

Center for Medical Genetics Ghent, University of Ghent
Classification: Likely pathogenic for Marfan syndrome. Last evaluated: 2017-11-07. Review status: no assertion criteria provided. Collection method: clinical testing. Allele origin: germline. Affected: yes. Not counted in ClinVar's aggregate classification.

Literature cited by the submitters: PubMed 37558401 (cited by Department of Laboratory Medicine and Genetics, Samsung Medical Center).

NM_000138.5(FBN1):c.5369G>A (p.Arg1790Gln)

Gene: FBN1 (fibrillin 1; minus strand). Cytogenetic location: 15q21.1.
Variant type: single nucleotide variant.
Coding change: c.5369G>A on transcript NM_000138.5 (MANE Select); coding-DNA position 5369, G replaced by A.
Protein change: p.Arg1790Gln; replaces arginine 1790 with glutamine.
Molecular consequence: missense variant.
Genome position (GRCh38, 1-based): chr15:48,456,690, C>T on the plus strand (G>A on the coding strand, the complement: FBN1 is on the minus strand). VCF-style: chr15-48456690-C-T. GRCh37 (hg19) VCF-style: chr15-48748887-C-T.
Other names: short protein forms R1790Q.
Identifiers: ClinVar variation 549272 (VCV000549272.17), dbSNP rs1555396428, ClinGen allele CA392346034.